The following is an entry in ClinVar:

NM_032043.3(BRIP1):c.3309T>C (p.Ile1103=)

Gene: BRIP1 (BRCA1 interacting DNA helicase 1; minus strand). Cytogenetic location: 17q23.2.
Variant type: single nucleotide variant.
Coding change: c.3309T>C on transcript NM_032043.3 (MANE Select); coding-DNA position 3309, T replaced by C.
Protein change: p.Ile1103=; no amino-acid change (isoleucine 1103 retained).
Molecular consequence: synonymous variant.
Genome position (GRCh38, 1-based): chr17:61,683,737, A>G on the plus strand (T>C on the coding strand, the complement: BRIP1 is on the minus strand). VCF-style: chr17-61683737-A-G. GRCh37 (hg19) VCF-style: chr17-59761098-A-G.
Identifiers: ClinVar variation 823534 (VCV000823534.7), dbSNP rs1603275246, ClinGen allele CA501335165.
Genomic context (GRCh38, chr17:61,683,737, plus strand): 5'-TGTTTCAAAATCTCTATTTGAAGTGGACTGTTTATCTTCTTCACTTACTAGAGACAATTC[A>G]ATGTCTGGATCCAGGGCTTCTTCAGAACAGAGCGGATGTTCAGAATGATTTTTTCTAGTA-3'
Protein context (NP_114432.2, residues 1093-1113): LCSEEALDPD[Ile1103=]ELSLVSEEDK

ClinVar aggregate classification (germline): Benign/Likely benign. Review status: criteria provided, multiple submitters, no conflicts (2 of 4 stars). 3 submissions from 3 submitters: Benign (1); Likely benign (2). Last evaluated 2024-12-08.

Conditions:
Familial cancer of breast. Also called: Hereditary breast cancer; hereditary breast carcinoma; BREAST CANCER, FAMILIAL. Identifiers: Orphanet 227535, MedGen C0346153, MONDO:0016419, OMIM 114480. Disease mechanism: loss of function.
Fanconi anemia complementation group J. Also called: BRIP1-Related Fanconi Anemia. Identifiers: Orphanet 84, MedGen C1836860, MONDO:0012187, OMIM 609054.
Hereditary cancer-predisposing syndrome. Also called: Hereditary Cancer Syndrome; Neoplastic Syndromes, Hereditary; Hereditary neoplastic syndrome; Tumor predisposition. Identifiers: Orphanet 140162, MedGen C0027672, MeSH D009386, MONDO:0015356.

gnomAD v4.1: 1 of 1,614,144 alleles (0.000062%); highest among the groups gnomAD compares: Non-Finnish European, 0.000085%; no homozygotes.

Submissions (3):

Labcorp Genetics (formerly Invitae), Labcorp
Classification: Likely benign for Familial cancer of breast; Fanconi anemia complementation group J. Last evaluated: 2024-12-08. Review status: criteria provided, single submitter. Criteria: Invitae Variant Classification Sherloc (09022015). Collection method: clinical testing. Allele origin: germline.

Myriad Genetics, Inc.
Classification: Benign for Familial cancer of breast. Last evaluated: 2024-09-10. Review status: criteria provided, single submitter. Criteria: Myriad Autosomal Dominant, Autosomal Recessive and X-Linked Classification Criteria (2023). Collection method: clinical testing. Allele origin: unknown.
Comment: This variant is considered benign. This variant is a silent/synonymous amino acid change and it is not expected to impact splicing.

Ambry Genetics
Classification: Likely benign for Hereditary cancer-predisposing syndrome. Last evaluated: 2019-03-30. Review status: criteria provided, single submitter. Criteria: Ambry Variant Classification Scheme 2023. Collection method: clinical testing. Allele origin: germline.